The following is an entry in ClinVar:

ClinVar aggregate classification (germline): Likely pathogenic. Review status: criteria provided, multiple submitters, no conflicts (2 of 4 stars). 3 submissions from 3 submitters: Likely pathogenic (3). Last evaluated 2025-11-25.

Conditions:
Heterotaxy, visceral, 5, autosomal (HTX5). Also called: Heterotaxy, visceral, 5. Identifiers: Orphanet 450, MedGen C3495537, MONDO:0700112, OMIM 270100.
Visceral heterotaxy. Also called: Heterotaxy syndrome; Heterotaxia. Identifiers: Orphanet 450, MedGen C3178805, MONDO:0018677.

Allele frequency attached by ClinVar (database versions not stated): gnomAD exomes below 0.00001.
gnomAD v4.1: 19 of 1,614,190 alleles (0.0012%); highest among the groups gnomAD compares: Admixed American, 0.0017%; no homozygotes.

Submissions (3):

Variantyx, Inc.
Classification: Likely pathogenic for Heterotaxy, visceral, 5, autosomal. Last evaluated: 2025-11-25. Review status: criteria provided, single submitter. Criteria: Variantyx Assertion Criteria 2022. Collection method: clinical testing. Allele origin: germline. Inheritance: Autosomal dominant inheritance. Affected: yes.
Comment: This is a nonsynonymous variant in the NODAL gene (OMIM: 601265). Pathogenic variants in this gene have been associated with autosomal dominant visceral heterotaxy 5. This variant has been reported in at least 2 unrelated affected individual(s) (PMID: 31564432, 34645491) (PS4_Moderate), and an alternate amino acid change at this position (p.Arg275Cys) have been previously reported in similarly affected individuals, which suggests that this residue is biologically important (PMID: 19064609) (PM5). Multiple computational algorithms predict a deleterious effect for this variant (REVEL score: 0.732) (PP3). This variant has a 0.0017% maximum allele frequency in non-founder control populations (PM2). Based on the current evidence, this variant is classified as likely pathogenic for autosomal dominant visceral heterotaxy 5.

Rady Children's Institute for Genomic Medicine, Rady Children's Hospital San Diego
Classification: Likely pathogenic for heterotaxia syndrome. Last evaluated: 2017-10-09. Review status: criteria provided, single submitter. Criteria: ACMG Guidelines, 2015. Collection method: clinical testing. Allele origin: germline. Affected: yes. Observed: 1 variant allele.
Comment: This variant occurs at an amino acid position in the NODAL gene that is highly conserved across species. The variant seen in this individual had an autosomal dominant transmission with reduced penetrance and variable expressivity and was maternally inherited (PMID: 19064609). The p.Arg275His variant was not found in EVS, ExAC or 1000 genome databases and is presumed rare. Based on the combined evidence of the literature and potential functional effects of this missense variant, the p.Arg275His variant is classified as likely pathogenic.

GeneDx
Classification: Likely pathogenic. Last evaluated: 2017-02-07. Review status: criteria provided, single submitter. Criteria: GeneDx Variant Classification (06012015). Collection method: clinical testing. Allele origin: germline. Affected: yes.
Comment: The c.824G>A variant in the NODAL gene has not been reported previously as a pathogenic variant, nor as a benign variant, to our knowledge. However, a missense variant in the same codon, R275C, has been reported in an individual with heterotaxy, inherited from the unaffected mother (Mohapatra et al., 2009). The c.824G>A variant is not observed in large population cohorts (Lek et al., 2016; 1000 Genomes Consortium et al., 2015; Exome Variant Server). In-silico splice prediction models predict that c.824G>A may increase the strength of a cryptic splice donor site upstream of the natural splice donor site of exon 2. However, in the absence of RNA/functional studies, the actual effect of the c.824G>A change in this individual is unknown. If c.824G>A does not alter splicing, it will result in the R275H missense change. The R275H variant is a conservative amino acid substitution, which is not likely to impact secondary protein structure as these residues share similar properties. This substitution occurs at a position that is conserved across species. In silico analysis predicts this variant is probably damaging to the protein structure/function. The c.824G>A variant is a strong candidate for a pathogenic variant, however the possibility it may be a rare benign variant cannot be excluded.

Literature cited by the submitters: PubMed 19064609 (cited by Variantyx, Inc.); PubMed 31564432 (cited by Variantyx, Inc.); PubMed 34645491 (cited by Variantyx, Inc.).

NM_018055.5(NODAL):c.824G>A (p.Arg275His)

Gene: NODAL (nodal growth differentiation factor; minus strand). Cytogenetic location: 10q22.1.
Variant type: single nucleotide variant.
Coding change: c.824G>A on transcript NM_018055.5 (MANE Select); coding-DNA position 824, G replaced by A.
Protein change: p.Arg275His; replaces arginine 275 with histidine.
Molecular consequence: missense variant.
Genome position (GRCh38, 1-based): chr10:70,435,353, C>T on the plus strand (G>A on the coding strand, the complement: NODAL is on the minus strand). VCF-style: chr10-70435353-C-T. GRCh37 (hg19) VCF-style: chr10-72195109-C-T.
Other names: c.425G>A, p.Arg142His (NM_001329906.2); short protein forms R275H, R142H.
Identifiers: ClinVar variation 423103 (VCV000423103.5), dbSNP rs555563029, ClinGen allele CA16618975.